The following is an entry in ClinVar:

ClinVar aggregate classification (germline): Uncertain significance (1 of 4 stars; one submission).

Conditions:
Inborn genetic diseases. Identifiers: MedGen C0950123, MeSH D030342.

Submission:

Ambry Genetics
Classification: Uncertain significance for Inborn genetic diseases. Last evaluated: 2025-02-22. Review status: criteria provided, single submitter. Criteria: Ambry Variant Classification Scheme 2023. Collection method: clinical testing. Allele origin: germline.
Comment: The p.L43I variant (also known as c.127T>A), located in coding exon 1 of the WT1 gene, results from a T to A substitution at nucleotide position 127. The leucine at codon 43 is replaced by isoleucine, an amino acid with highly similar properties. This amino acid position is conserved. In addition, this alteration is predicted to be tolerated by in silico analysis. Based on the available evidence, the clinical significance of this variant remains unclear.

NM_024426.6(WT1):c.142T>A (p.Leu48Ile)

Genes: WT1 (WT1 transcription factor; minus strand), LOC107982234 (WT1/WT1-AS bi-directional promoter region; plus strand). Cytogenetic location: 11p13.
Variant type: single nucleotide variant.
Coding change: c.142T>A on transcript NM_024426.6 (MANE Select); coding-DNA position 142, T replaced by A.
Protein change: p.Leu48Ile; replaces leucine 48 with isoleucine.
Molecular consequence: missense variant. On other transcripts: 5 prime UTR variant (4), non-coding transcript variant (2).
Genome position (GRCh38, 1-based): chr11:32,435,219, A>T on the plus strand (T>A on the coding strand, the complement: WT1 is on the minus strand). VCF-style: chr11-32435219-A-T. GRCh37 (hg19) VCF-style: chr11-32456765-A-T.
Other names: c.-78T>A (NM_001429032.1, NM_001429033.1, NM_001429034.1 and 1 more transcripts); c.142T>A, p.Leu48Ile (NM_024424.5, NM_000378.6, NM_001407044.1 and 6 more transcripts); short protein forms L43I, L48I.
Identifiers: ClinVar variation 3817485 (VCV003817485.1).